The following is an entry in ClinVar:

ClinVar aggregate classification (germline): Uncertain significance. Review status: criteria provided, multiple submitters, no conflicts (2 of 4 stars). 5 submissions from 5 submitters: Uncertain significance (5). Last evaluated 2025-11-12.

Conditions:
Neurofibromatosis, type 1 (NF1). Also called: NEUROFIBROMATOSIS, TYPE I, SOMATIC; Peripheral type neurofibromatosis; Neurofibromatosis, type I; VON RECKLINGHAUSEN DISEASE. Identifiers: Orphanet 636, MedGen C0027831, MONDO:0018975, OMIM 162200. Disease mechanism: loss of function.
NF1-related disorder. Also called: NF1-related condition. Identifiers: MedGen CN379171.
Hereditary cancer-predisposing syndrome. Also called: Neoplastic Syndromes, Hereditary; Hereditary Cancer Syndrome; Tumor predisposition; Hereditary neoplastic syndrome. Identifiers: Orphanet 140162, MedGen C0027672, MeSH D009386, MONDO:0015356.
Cardiovascular phenotype. Identifiers: MedGen CN230736.

Allele frequency attached by ClinVar (database versions not stated): gnomAD exomes below 0.00001.
gnomAD v4.1: 2 of 1,613,376 alleles (0.00012%); highest among the groups gnomAD compares: Non-Finnish European, 0.000085%; no homozygotes.

Submissions (5):

Ambry Genetics
Classification: Uncertain significance for Cardiovascular phenotype; Hereditary cancer-predisposing syndrome. Last evaluated: 2025-11-12. Review status: criteria provided, single submitter. Criteria: Ambry Variant Classification Scheme 2023. Collection method: clinical testing. Allele origin: germline.
Comment: The p.V2601I variant (also known as c.7801G>A), located in coding exon 52 of the NF1 gene, results from a G to A substitution at nucleotide position 7801. The valine at codon 2601 is replaced by isoleucine, an amino acid with highly similar properties. This amino acid position is highly conserved in available vertebrate species. In addition, the in silico prediction for this alteration is inconclusive. Based on the available evidence, the clinical significance of this variant remains unclear.

Labcorp Genetics (formerly Invitae), Labcorp
Classification: Uncertain significance for Neurofibromatosis, type 1. Last evaluated: 2024-09-11. Review status: criteria provided, single submitter. Criteria: Invitae Variant Classification Sherloc (09022015). Collection method: clinical testing. Allele origin: germline.
Comment: This sequence change replaces valine, which is neutral and non-polar, with isoleucine, which is neutral and non-polar, at codon 2601 of the NF1 protein (p.Val2601Ile). This variant is not present in population databases (gnomAD no frequency). This variant has not been reported in the literature in individuals affected with NF1-related conditions. ClinVar contains an entry for this variant (Variation ID: 1318855). Invitae Evidence Modeling of protein sequence and biophysical properties (such as structural, functional, and spatial information, amino acid conservation, physicochemical variation, residue mobility, and thermodynamic stability) has been performed for this missense variant. However, the output from this modeling did not meet the statistical confidence thresholds required to predict the impact of this variant on NF1 protein function. In summary, the available evidence is currently insufficient to determine the role of this variant in disease. Therefore, it has been classified as a Variant of Uncertain Significance.

GeneDx
Classification: Uncertain significance. Last evaluated: 2023-08-15. Review status: criteria provided, single submitter. Criteria: GeneDx Variant Classification Process June 2021. Collection method: clinical testing. Allele origin: germline. Affected: yes.
Comment: Not observed at significant frequency in large population cohorts (gnomAD); In silico analysis supports that this missense variant does not alter protein structure/function; Has not been previously published as pathogenic or benign to our knowledge; This variant is associated with the following publications: (PMID: 25486365)

PreventionGenetics, part of Exact Sciences
Classification: Uncertain significance for NF1-related condition. Last evaluated: 2022-11-05. Review status: criteria provided, single submitter. Criteria: ACMG Guidelines, 2015. Collection method: clinical testing. Allele origin: germline.
Comment: The NF1 c.7864G>A variant is predicted to result in the amino acid substitution p.Val2622Ile. To our knowledge, this variant has not been reported in the literature or in a large population database, indicating this variant is rare. This variant has been interpret as uncertain in the ClinVar database. At this time, the clinical significance of this variant is uncertain due to the absence of conclusive functional and genetic evidence.

Genome-Nilou Lab
Classification: Uncertain significance for Neurofibromatosis, type 1. Last evaluated: 2022-03-15. Review status: criteria provided, single submitter. Criteria: ACMG Guidelines, 2015. Collection method: clinical testing. Allele origin: germline. Affected: no.

NM_001042492.3(NF1):c.7864G>A (p.Val2622Ile)

Gene: NF1 (neurofibromin 1; plus strand). Cytogenetic location: 17q11.2.
Variant type: single nucleotide variant.
Coding change: c.7864G>A on transcript NM_001042492.3 (MANE Select); coding-DNA position 7864, G replaced by A.
Protein change: p.Val2622Ile; replaces valine 2622 with isoleucine.
Molecular consequence: missense variant.
Genome position (GRCh38, 1-based): chr17:31,357,085, G>A. VCF-style: chr17-31357085-G-A. GRCh37 (hg19) VCF-style: chr17-29684103-G-A.
Other names: c.7801G>A, p.Val2601Ile (NM_000267.4); short protein forms V2601I, V2622I.
Identifiers: ClinVar variation 1318855 (VCV001318855.15), dbSNP rs1471144465, ClinGen allele CA399018705.
Genomic context (GRCh38, chr17:31,357,085, plus strand): 5'-AATGTTCTCTTGGATGAAGAAGTACTTACTGATCCGAAGATCCAGGCGCTGCTTCTTACT[G>A]TTCTAGTAAGGATTTCCCCTTTTTGAGTCCCCCACCCTCAAATTTTTATTCCAGTCTACT-3'
Protein context (NP_001035957.1, residues 2612-2632): DPKIQALLLT[Val2622Ile]LATLVKYTTD